The following is an entry in ClinVar:

NM_153046.3(TDRD9):c.3118C>T (p.Leu1040=)

Gene: TDRD9 (tudor domain containing 9; plus strand). Cytogenetic location: 14q32.33.
Variant type: single nucleotide variant.
Coding change: c.3118C>T on transcript NM_153046.3 (MANE Select); coding-DNA position 3118, C replaced by T.
Protein change: p.Leu1040=; no amino-acid change (leucine 1040 retained).
Molecular consequence: synonymous variant.
Genome position (GRCh38, 1-based): chr14:104,026,775, C>T. VCF-style: chr14-104026775-C-T. GRCh37 (hg19) VCF-style: chr14-104493112-C-T.
Identifiers: ClinVar variation 3039126 (VCV003039126.2), dbSNP rs150591179, ClinGen allele CA7369045.

ClinVar aggregate classification (germline): Likely benign (0 of 4 stars; one submission).

Conditions:
TDRD9-related disorder. Also called: TDRD9-related condition.

Allele frequency attached by ClinVar (database versions not stated): gnomAD exomes 0.00033; ExAC 0.00082; 1000 Genomes Project 0.00240; 1000 Genomes Project 30x 0.00265; gnomAD 0.00299; TOPMed 0.00330; ESP Exome Variant Server 0.00369.
gnomAD v4.1: 952 of 1,613,932 alleles (0.059%); highest among the groups gnomAD compares: African/African-American, 1.2%; 8 homozygotes.

Submission:

PreventionGenetics, part of Exact Sciences
Classification: Likely benign for TDRD9-related condition. Last evaluated: 2019-03-20. Review status: no assertion criteria provided. Collection method: clinical testing. Allele origin: germline.
Comment: This variant is classified as likely benign based on ACMG/AMP sequence variant interpretation guidelines (Richards et al. 2015 PMID: 25741868, with internal and published modifications).